The following is an entry in ClinVar:

NM_000051.4(ATM):c.1065+4C>T

Gene: ATM (ATM serine/threonine kinase; plus strand). Cytogenetic location: 11q22.3.
Variant type: single nucleotide variant.
Coding change: c.1065+4C>T on transcript NM_000051.4 (MANE Select); 4 bases into the intron after coding-DNA position 1065, C replaced by T.
Molecular consequence: intron variant.
Genome position (GRCh38, 1-based): chr11:108,247,131, C>T. VCF-style: chr11-108247131-C-T. GRCh37 (hg19) VCF-style: chr11-108117858-C-T.
Other names: c.1065+4C>T (NM_001351834.2).
Identifiers: ClinVar variation 818313 (VCV000818313.14), dbSNP rs1591511595, ClinGen allele CA915947729.

ClinVar aggregate classification (germline): Conflicting classifications of pathogenicity. Review status: criteria provided, conflicting classifications (1 of 4 stars). 4 submissions from 4 submitters: Uncertain significance (2); Likely benign (2). Last evaluated 2025-12-08.

Conditions:
Hereditary cancer-predisposing syndrome. Also called: Hereditary Cancer Syndrome; Neoplastic Syndromes, Hereditary; Hereditary neoplastic syndrome; Tumor predisposition. Identifiers: Orphanet 140162, MedGen C0027672, MeSH D009386, MONDO:0015356.
Familial cancer of breast. Also called: Hereditary breast cancer; hereditary breast carcinoma; BREAST CANCER, FAMILIAL. Identifiers: Orphanet 227535, MedGen C0346153, MONDO:0016419, OMIM 114480. Disease mechanism: loss of function.
Ataxia-telangiectasia syndrome (AT). Also called: Cerebello-oculocutaneous telangiectasia; Immunodeficiency with ataxia telangiectasia; Ataxia-telangiectasia, complementation group E; Ataxia-telangiectasia, complementation group D; AT, COMPLEMENTATION GROUP C; ATAXIA-TELANGIECTASIA, COMPLEMENTATION GROUP A. Identifiers: Orphanet 100, MedGen C0004135, MONDO:0008840, OMIM 208900.

Allele frequency attached by ClinVar (database versions not stated): gnomAD exomes 0.00001.
gnomAD v4.1: 3 of 1,613,320 alleles (0.00019%); highest among the groups gnomAD compares: East Asian, 0.0022%; no homozygotes.

Submissions (4):

Labcorp Genetics (formerly Invitae), Labcorp
Classification: Likely benign for Ataxia-telangiectasia syndrome. Last evaluated: 2025-12-08. Review status: criteria provided, single submitter. Criteria: Invitae Variant Classification Sherloc (09022015). Collection method: clinical testing. Allele origin: germline.

Athena Diagnostics
Classification: Uncertain significance. Last evaluated: 2024-08-27. Review status: criteria provided, single submitter. Criteria: Athena Diagnostics Criteria. Collection method: clinical testing. Allele origin: unknown.
Comment: Available data are insufficient to determine the clinical significance of the variant at this time. This variant has not been reported in large, multi-ethnic general populations. Computational tools yielded predictions that this variant is unlikely to have an effect on normal RNA splicing.

Ambry Genetics
Classification: Likely benign for Hereditary cancer-predisposing syndrome. Last evaluated: 2021-12-29. Review status: criteria provided, single submitter. Criteria: Ambry Variant Classification Scheme 2023. Collection method: clinical testing. Allele origin: germline.

Fulgent Genetics
Classification: Uncertain significance for Familial cancer of breast; Ataxia-telangiectasia syndrome. Last evaluated: 2021-07-16. Review status: criteria provided, single submitter. Criteria: ACMG Guidelines, 2015. Collection method: clinical testing. Allele origin: unknown.